The following is an entry in ClinVar:

ClinVar aggregate classification (germline): Uncertain significance. Review status: criteria provided, multiple submitters, no conflicts (2 of 4 stars). 2 submissions from 2 submitters: Uncertain significance (2). Last evaluated 2025-01-09.

Allele frequency attached by ClinVar (database versions not stated): ExAC 0.00002.
gnomAD v4.1: 64 of 1,613,292 alleles (0.004%); highest among the groups gnomAD compares: Non-Finnish European, 0.0053%; no homozygotes.

Submissions (2):

Ambry Genetics
Classification: Uncertain significance. Last evaluated: 2025-01-09. Review status: criteria provided, single submitter. Criteria: Ambry Variant Classification Scheme 2023. Collection method: clinical testing. Allele origin: germline.
Comment: The p.G342D variant (also known as c.1025G>A), located in coding exon 8 of the RECQL gene, results from a G to A substitution at nucleotide position 1025. The glycine at codon 342 is replaced by aspartic acid, an amino acid with similar properties. This amino acid position is not well conserved in available vertebrate species. In addition, the in silico prediction for this alteration is inconclusive. Since supporting evidence is limited at this time, the clinical significance of this alteration remains unclear.

Labcorp Genetics (formerly Invitae), Labcorp
Classification: Uncertain significance. Last evaluated: 2022-03-27. Review status: criteria provided, single submitter. Criteria: Invitae Variant Classification Sherloc (09022015). Collection method: clinical testing. Allele origin: germline.
Comment: This sequence change replaces glycine, which is neutral and non-polar, with aspartic acid, which is acidic and polar, at codon 342 of the RECQL protein (p.Gly342Asp). In summary, the available evidence is currently insufficient to determine the role of this variant in disease. Therefore, it has been classified as a Variant of Uncertain Significance. Algorithms developed to predict the effect of sequence changes on RNA splicing suggest that this variant may create or strengthen a splice site. Algorithms developed to predict the effect of missense changes on protein structure and function (SIFT, PolyPhen-2, Align-GVGD) all suggest that this variant is likely to be tolerated. This variant has not been reported in the literature in individuals affected with RECQL-related conditions. This variant is present in population databases (rs770714965, gnomAD 0.007%).

NM_002907.4(RECQL):c.1025G>A (p.Gly342Asp)

Gene: RECQL (RecQ like helicase; minus strand). Cytogenetic location: 12p12.1.
Variant type: single nucleotide variant.
Coding change: c.1025G>A on transcript NM_002907.4 (MANE Select); coding-DNA position 1025, G replaced by A.
Protein change: p.Gly342Asp; replaces glycine 342 with aspartic acid.
Molecular consequence: missense variant.
Genome position (GRCh38, 1-based): chr12:21,475,749, C>T on the plus strand (G>A on the coding strand, the complement: RECQL is on the minus strand). VCF-style: chr12-21475749-C-T. GRCh37 (hg19) VCF-style: chr12-21628683-C-T.
Other names: c.1025G>A, p.Gly342Asp (NM_032941.3); short protein forms G342D.
Identifiers: ClinVar variation 1769352 (VCV001769352.8), dbSNP rs770714965, ClinGen allele CA6478881.
Genomic context (GRCh38, chr12:21,475,749, plus strand): 5'-GCTGACCATTTTCTATGAACTGTGGTCTTATCTTCTGGCTCCAAATTGGCATGGTAAGCA[C>T]CTGCATGAATTCCCAGATTCTGCAAACTAACCGTAACTTGTTCAGAGTCTTTCTGAGAAA-3'
Protein context (NP_002898.2, residues 332-352): VSLQNLGIHA[Gly342Asp]AYHANLEPED